The following is an entry in ClinVar:

ClinVar aggregate classification (germline): Conflicting classifications of pathogenicity. Review status: criteria provided, conflicting classifications (1 of 4 stars). 3 submissions from 3 submitters: Uncertain significance (1); Likely benign (1). 1 of the submissions does not count toward it. Last evaluated 2025-07-03.

Conditions:
TJP2-related disorder. Also called: TJP2-related condition.

Allele frequency attached by ClinVar (database versions not stated): ExAC 0.00007; gnomAD exomes 0.00007 and 0.00010; TOPMed 0.00007; gnomAD 0.00008 and 0.00009.
gnomAD v4.1: 159 of 1,613,922 alleles (0.0099%); highest among the groups gnomAD compares: African/African-American, 0.02%; no homozygotes.

Submissions (3):

Labcorp Genetics (formerly Invitae), Labcorp
Classification: Likely benign. Last evaluated: 2025-07-03. Review status: criteria provided, single submitter. Criteria: Invitae Variant Classification Sherloc (09022015). Collection method: clinical testing. Allele origin: germline.

Eurofins Ntd Llc (ga)
Classification: Uncertain significance. Last evaluated: 2016-05-31. Review status: criteria provided, single submitter. Criteria: EGL Classification Definitions 2015. Collection method: clinical testing. Allele origin: germline. Observed: 1 variant allele, 1 heterozygote.

PreventionGenetics, part of Exact Sciences
Classification: Likely benign for TJP2-related condition. Last evaluated: 2024-08-01. Review status: no assertion criteria provided. Collection method: clinical testing. Allele origin: germline. Not counted in ClinVar's aggregate classification.
Comment: This variant is classified as likely benign based on ACMG/AMP sequence variant interpretation guidelines (Richards et al. 2015 PMID: 25741868, with internal and published modifications).

NM_004817.4(TJP2):c.1953G>T (p.Gly651=)

Gene: TJP2 (tight junction protein 2; plus strand). Cytogenetic location: 9q21.11.
Variant type: single nucleotide variant.
Coding change: c.1953G>T on transcript NM_004817.4 (MANE Select); coding-DNA position 1953, G replaced by T.
Protein change: p.Gly651=; no amino-acid change (glycine 651 retained).
Molecular consequence: synonymous variant.
Genome position (GRCh38, 1-based): chr9:69,236,200, G>T. VCF-style: chr9-69236200-G-T. GRCh37 (hg19) VCF-style: chr9-71851116-G-T.
Other names: c.1953G>T, p.Gly651= (LRG_1201t1, NM_001369872.1, NM_001369873.1 and 1 more transcripts); c.1884G>T, p.Gly628= (NM_001170414.2, NM_001369871.1); c.1965G>T, p.Gly655= (NM_001170415.1, NM_001369874.1, NM_001369875.1); c.2046G>T, p.Gly682= (NM_001170416.2); c.1878G>T, p.Gly626= (NM_001369870.1); c.1953G>T (NM_004817.3).
Identifiers: ClinVar variation 288460 (VCV000288460.10), dbSNP rs750134026, ClinGen allele CA5073524.